The following is an entry in ClinVar:

NM_001386298.1(CIC):c.3491A>G (p.Gln1164Arg)

Gene: CIC (capicua transcriptional repressor; plus strand). Cytogenetic location: 19q13.2.
Variant type: single nucleotide variant.
Coding change: c.3491A>G on transcript NM_001386298.1 (MANE Select); coding-DNA position 3491, A replaced by G.
Protein change: p.Gln1164Arg; replaces glutamine 1164 with arginine.
Molecular consequence: missense variant.
Genome position (GRCh38, 1-based): chr19:42,287,726, A>G. VCF-style: chr19-42287726-A-G. GRCh37 (hg19) VCF-style: chr19-42791878-A-G.
Other names: c.3491A>G, p.Gln1164Arg (NM_001304815.2, NM_001379480.1, NM_001379482.1); c.764A>G, p.Gln255Arg (NM_001379484.1, NM_001379485.1, NM_015125.5); short protein forms Q1164R, Q255R.
Identifiers: ClinVar variation 451974 (VCV000451974.3), dbSNP rs1555765916, ClinGen allele CA406098759.
Genomic context (GRCh38, chr19:42,287,726, plus strand): 5'-GCGAGTGGTGGTATGCCCTGGGGCCCAAGGAGAAGCAGAAGTACCACGACCTGGCCTTCC[A>G]GGTAACGCTGTTGCCTCTTGGCTCCTCCCAGCTTCTTCTGGTGGGGTGGGTGAGTGAAGG-3'
Protein context (NP_001373227.1, residues 1154-1174): EKQKYHDLAF[Gln1164Arg]VKEAHFKAHP

ClinVar aggregate classification (germline): Uncertain significance (1 of 4 stars; one submission).

Submission:

GeneDx
Classification: Uncertain significance. Last evaluated: 2020-07-20. Review status: criteria provided, single submitter. Criteria: GeneDx Variant Classification Process June 2021. Collection method: clinical testing. Allele origin: germline. Affected: yes.
Comment: Not observed in large population cohorts (Lek et al., 2016); In silico analysis supports that this missense variant has a deleterious effect on protein structure/function; Has not been previously published as pathogenic or benign to our knowledge; In-silico analysis, which includes splice predictors and evolutionary conservation, is inconclusive as to whether the variant alters gene splicing. In the absence of RNA/functional studies, the actual effect of this sequence change is unknown.